The following is an entry in ClinVar:

ClinVar aggregate classification (germline): Benign (1 of 4 stars; one submission).

Conditions:
MELAS syndrome (MELAS). Also called: Juvenile myopathy, encephalopathy, lactic acidosis, stroke. Identifiers: Orphanet 550, MedGen C0162671, MONDO:0010789, OMIM 540000.

Submission:

Wong Mito Lab, Molecular and Human Genetics, Baylor College of Medicine
Classification: Benign for MELAS syndrome. Last evaluated: 2019-07-12. Review status: criteria provided, single submitter. Criteria: Modified ACMG Guidelines (Unpublished). Collection method: clinical testing. Allele origin: germline.
Comment: The NC_012920.1:m.7568T>C variant in MT-TD gene is interpreted to be a Benign variant based on the modified ACMG guidelines (unpublished). This variant meets the following evidence codes reported in the guidelines: BS1, BS4, BP4

Literature cited by the submitters: PubMed 31965079.

NC_012920.1(MT-TD):m.7568T>C

Gene: MT-TD (mitochondrially encoded tRNA aspartic acid; plus strand).
Variant type: single nucleotide variant.
Genome position: chrM-7568-T-C.
Identifiers: ClinVar variation 690052 (VCV000690052.1), dbSNP rs1603221019, ClinGen allele CA913177438.
Genomic context (GRCh38, chrMT:7,568, plus strand): 5'-CTTTTTCAAAAAGGTATTAGAAAAACCATTTCATAACTTTGTCAAAGTTAAATTATAGGC[T>C]AAATCCTATATATCTTAATGGCACATGCAGCGCAAGTAGGTCTACAAGACGCTACTTCCC-3'